The following is an entry in ClinVar:

ClinVar aggregate classification (germline): Uncertain significance (1 of 4 stars; one submission).

gnomAD v4.1: 1 of 1,593,118 alleles (0.000063%); highest among the groups gnomAD compares: Non-Finnish European, 0.000086%; no homozygotes.

Submission:

Labcorp Genetics (formerly Invitae), Labcorp
Classification: Uncertain significance. Last evaluated: 2023-03-19. Review status: criteria provided, single submitter. Criteria: Invitae Variant Classification Sherloc (09022015). Collection method: clinical testing. Allele origin: germline.
Comment: This sequence change replaces alanine, which is neutral and non-polar, with proline, which is neutral and non-polar, at codon 441 of the TBX20 protein (p.Ala441Pro). The frequency data for this variant in the population databases is considered unreliable, as metrics indicate poor data quality at this position in the gnomAD database. This variant has not been reported in the literature in individuals affected with TBX20-related conditions. An algorithm developed to predict the effect of missense changes on protein structure and function (PolyPhen-2) suggests that this variant is likely to be tolerated. In summary, the available evidence is currently insufficient to determine the role of this variant in disease. Therefore, it has been classified as a Variant of Uncertain Significance.

NM_001077653.2(TBX20):c.1321G>C (p.Ala441Pro)

Gene: TBX20 (T-box transcription factor 20; minus strand). Cytogenetic location: 7p14.2.
Variant type: single nucleotide variant.
Coding change: c.1321G>C on transcript NM_001077653.2 (MANE Select); coding-DNA position 1321, G replaced by C.
Protein change: p.Ala441Pro; replaces alanine 441 with proline.
Molecular consequence: missense variant.
Genome position (GRCh38, 1-based): chr7:35,202,453, C>G on the plus strand (G>C on the coding strand, the complement: TBX20 is on the minus strand). VCF-style: chr7-35202453-C-G. GRCh37 (hg19) VCF-style: chr7-35242065-C-G.
Other names: short protein forms A441P.
Identifiers: ClinVar variation 2847305 (VCV002847305.3), dbSNP rs750770210, ClinGen allele CA367262751.